The following is an entry in ClinVar:

ClinVar aggregate classification (germline): Uncertain significance (1 of 4 stars; one submission).

gnomAD v4.1: 7 of 1,613,606 alleles (0.00043%); highest among the groups gnomAD compares: Admixed American, 0.012%; no homozygotes.

Submission:

GeneDx
Classification: Uncertain significance. Last evaluated: 2025-11-18. Review status: criteria provided, single submitter. Criteria: GeneDx Variant Classification Process June 2021. Collection method: clinical testing. Allele origin: germline.
Comment: In silico analysis supports that this missense variant has a deleterious effect on protein structure/function; Has not been previously published as pathogenic or benign to our knowledge

NM_001365088.1(SLC12A6):c.79G>T (p.Gly27Cys)

Gene: SLC12A6 (solute carrier family 12 member 6; minus strand). Cytogenetic location: 15q14.
Variant type: single nucleotide variant.
Coding change: c.79G>T on transcript NM_001365088.1 (MANE Select); coding-DNA position 79, G replaced by T.
Protein change: p.Gly27Cys; replaces glycine 27 with cysteine.
Molecular consequence: missense variant. On other transcripts: splice acceptor variant (2).
Genome position (GRCh38, 1-based): chr15:34,336,602, C>A on the plus strand (G>T on the coding strand, the complement: SLC12A6 is on the minus strand). VCF-style: chr15-34336602-C-A. GRCh37 (hg19) VCF-style: chr15-34628803-C-A.
Other names: c.52G>T, p.Gly18Cys (NM_001042496.2); c.79G>T, p.Gly27Cys (NM_001042497.2, NM_133647.2); c.-98-1G>T (NM_001042495.2, NM_001042494.2); short protein forms G18C, G27C.
Identifiers: ClinVar variation 3764164 (VCV003764164.2).